The following is an entry in ClinVar:

NM_020937.4(FANCM):c.1847G>C (p.Arg616Thr)

Gene: FANCM (FA complementation group M; plus strand). Cytogenetic location: 14q21.2.
Variant type: single nucleotide variant.
Coding change: c.1847G>C on transcript NM_020937.4 (MANE Select); coding-DNA position 1847, G replaced by C.
Protein change: p.Arg616Thr; replaces arginine 616 with threonine.
Molecular consequence: missense variant.
Genome position (GRCh38, 1-based): chr14:45,167,008, G>C. VCF-style: chr14-45167008-G-C. GRCh37 (hg19) VCF-style: chr14-45636211-G-C.
Other names: c.1769G>C, p.Arg590Thr (NM_001308133.2); c.1847G>C, p.Arg616Thr (NM_001308134.2); short protein forms R590T, R616T.
Identifiers: ClinVar variation 1445944 (VCV001445944.27), dbSNP rs2139214385, ClinGen allele CA389594899.

ClinVar aggregate classification (germline): Uncertain significance. Review status: criteria provided, multiple submitters, no conflicts (2 of 4 stars). 2 submissions from 2 submitters: Uncertain significance (2). Last evaluated 2025-10-01.

Conditions:
Fanconi anemia (FA). Also called: Fanconi's anemia. Identifiers: Orphanet 84, MedGen C0015625, MeSH D005199, MONDO:0019391.

Allele frequency attached by ClinVar (database versions not stated): gnomAD exomes below 0.00001.
gnomAD v4.1: 2 of 1,610,664 alleles (0.00012%); highest among the groups gnomAD compares: Non-Finnish European, 0.00017%; no homozygotes.

Submissions (2):

CeGaT Center for Human Genetics Tuebingen
Classification: Uncertain significance. Last evaluated: 2025-10-01. Review status: criteria provided, single submitter. Criteria: CeGaT Center For Human Genetics Tuebingen Variant Classification Criteria Version 2. Collection method: clinical testing. Allele origin: germline. Affected: yes. Observed: 2 variant alleles.
Comment: FANCM: PM2, BP4

Labcorp Genetics (formerly Invitae), Labcorp
Classification: Uncertain significance for Fanconi anemia. Last evaluated: 2022-02-22. Review status: criteria provided, single submitter. Criteria: Invitae Variant Classification Sherloc (09022015). Collection method: clinical testing. Allele origin: germline.
Comment: In summary, the available evidence is currently insufficient to determine the role of this variant in disease. Therefore, it has been classified as a Variant of Uncertain Significance. This sequence change replaces arginine, which is basic and polar, with threonine, which is neutral and polar, at codon 616 of the FANCM protein (p.Arg616Thr). This variant is not present in population databases (gnomAD no frequency). This variant has not been reported in the literature in individuals affected with FANCM-related conditions. Algorithms developed to predict the effect of missense changes on protein structure and function (SIFT, PolyPhen-2, Align-GVGD) all suggest that this variant is likely to be tolerated.